The following is an entry in ClinVar:

ClinVar aggregate classification (germline): Likely benign (1 of 4 stars; one submission).

Allele frequency attached by ClinVar (database versions not stated): gnomAD 0.00011; ESP Exome Variant Server 0.00015.
gnomAD v4.1: 231 of 1,586,752 alleles (0.015%); highest among the groups gnomAD compares: African/African-American, 0.011%; 1 homozygote.

Submission:

CeGaT Center for Human Genetics Tuebingen
Classification: Likely benign. Last evaluated: 2023-11-01. Review status: criteria provided, single submitter. Criteria: CeGaT Center For Human Genetics Tuebingen Variant Classification Criteria Version 2. Collection method: clinical testing. Allele origin: germline. Affected: yes. Observed: 1 variant allele.
Comment: ZFHX3: BP4, BP7

NM_006885.4(ZFHX3):c.21C>T (p.Pro7=)

Gene: ZFHX3 (zinc finger homeobox 3; minus strand). Cytogenetic location: 16q22.3.
Variant type: single nucleotide variant.
Coding change: c.21C>T on transcript NM_006885.4 (MANE Select); coding-DNA position 21, C replaced by T.
Protein change: p.Pro7=; no amino-acid change (proline 7 retained).
Molecular consequence: synonymous variant. On other transcripts: intron variant (1).
Genome position (GRCh38, 1-based): chr16:72,960,125, G>A on the plus strand (C>T on the coding strand, the complement: ZFHX3 is on the minus strand). VCF-style: chr16-72960125-G-A. GRCh37 (hg19) VCF-style: chr16-72994024-G-A.
Other names: c.21C>T, p.Pro7= (NM_001386735.1); c.-23-9160C>T (NM_001164766.2).
Identifiers: ClinVar variation 2672653 (VCV002672653.23), dbSNP rs142591772, ClinGen allele CA8165134.